The following is an entry in ClinVar:

ClinVar aggregate classification (germline): Uncertain significance. Review status: criteria provided, multiple submitters, no conflicts (2 of 4 stars). 2 submissions from 2 submitters: Uncertain significance (2). Last evaluated 2025-04-01.

Conditions:
Inborn genetic diseases. Identifiers: MedGen C0950123, MeSH D030342.

Allele frequency attached by ClinVar (database versions not stated): TOPMed 0.00002; ExAC 0.00003; gnomAD 0.00003; gnomAD exomes 0.00003; ESP Exome Variant Server 0.00008.
gnomAD v4.1: 56 of 1,613,238 alleles (0.0035%); highest among the groups gnomAD compares: Non-Finnish European, 0.0044%; no homozygotes.

Submissions (2):

Ambry Genetics
Classification: Uncertain significance for Inborn genetic diseases. Last evaluated: 2025-04-01. Review status: criteria provided, single submitter. Criteria: Ambry Variant Classification Scheme 2023. Collection method: clinical testing. Allele origin: germline.

Labcorp Genetics (formerly Invitae), Labcorp
Classification: Uncertain significance. Last evaluated: 2025-01-24. Review status: criteria provided, single submitter. Criteria: Invitae Variant Classification Sherloc (09022015). Collection method: clinical testing. Allele origin: germline.
Comment: This sequence change replaces threonine, which is neutral and polar, with isoleucine, which is neutral and non-polar, at codon 698 of the VCAN protein (p.Thr698Ile). This variant is present in population databases (rs367693551, gnomAD 0.006%). This variant has not been reported in the literature in individuals affected with VCAN-related conditions. ClinVar contains an entry for this variant (Variation ID: 1373168). An algorithm developed to predict the effect of missense changes on protein structure and function outputs the following: PolyPhen-2: "Benign". The isoleucine amino acid residue is found in multiple mammalian species, which suggests that this missense change does not adversely affect protein function. In summary, the available evidence is currently insufficient to determine the role of this variant in disease. Therefore, it has been classified as a Variant of Uncertain Significance.

NM_004385.5(VCAN):c.2093C>T (p.Thr698Ile)

Gene: VCAN (versican; plus strand). Cytogenetic location: 5q14.3.
Variant type: single nucleotide variant.
Coding change: c.2093C>T on transcript NM_004385.5 (MANE Select); coding-DNA position 2093, C replaced by T.
Protein change: p.Thr698Ile; replaces threonine 698 with isoleucine.
Molecular consequence: missense variant. On other transcripts: intron variant (2).
Genome position (GRCh38, 1-based): chr5:83,520,399, C>T. VCF-style: chr5-83520399-C-T. GRCh37 (hg19) VCF-style: chr5-82816218-C-T.
Other names: c.2093C>T, p.Thr698Ile (NM_001164098.2); c.1042+8003C>T (NM_001164097.2, NM_001126336.3); c.2093C>T (NM_004385.4); short protein forms T698I.
Identifiers: ClinVar variation 1373168 (VCV001373168.7), dbSNP rs367693551, ClinGen allele CA3332783.